The following is an entry in ClinVar:

NM_005732.4(RAD50):c.3097G>A (p.Glu1033Lys)

Gene: RAD50 (RAD50 double strand break repair protein; plus strand). Cytogenetic location: 5q31.1.
Variant type: single nucleotide variant.
Coding change: c.3097G>A on transcript NM_005732.4 (MANE Select); coding-DNA position 3097, G replaced by A.
Protein change: p.Glu1033Lys; replaces glutamic acid 1033 with lysine.
Molecular consequence: missense variant.
Genome position (GRCh38, 1-based): chr5:132,616,063, G>A. VCF-style: chr5-132616063-G-A. GRCh37 (hg19) VCF-style: chr5-131951755-G-A.
Other names: c.3097G>A (NM_005732.3); short protein forms E1033K.
Identifiers: ClinVar variation 2858080 (VCV002858080.4), dbSNP rs1751169470, ClinGen allele CA360963619.
Genomic context (GRCh38, chr5:132,616,063, plus strand): 5'-ATACAAGAAAGGTGGCTACAAGATAACCTTACTTTAAGAAAAAGAAATGAGGAACTAAAA[G>A]AAGTTGAAGAAGAAAGAAAACAACATTTGAAGGAAATGGGTCAAATGCAGGTTTTGCAAA-3'
Protein context (NP_005723.2, residues 1023-1043): TLRKRNEELK[Glu1033Lys]VEEERKQHLK

ClinVar aggregate classification (germline): Uncertain significance. Review status: criteria provided, multiple submitters, no conflicts (2 of 4 stars). 2 submissions from 2 submitters: Uncertain significance (2). Last evaluated 2024-01-12.

Conditions:
Hereditary cancer-predisposing syndrome. Also called: Neoplastic Syndromes, Hereditary; Hereditary neoplastic syndrome; Tumor predisposition; Hereditary Cancer Syndrome. Identifiers: Orphanet 140162, MedGen C0027672, MeSH D009386, MONDO:0015356.

Submissions (2):

Ambry Genetics
Classification: Uncertain significance for Hereditary cancer-predisposing syndrome. Last evaluated: 2024-01-12. Review status: criteria provided, single submitter. Criteria: Ambry Variant Classification Scheme 2023. Collection method: clinical testing. Allele origin: germline.
Comment: The p.E1033K variant (also known as c.3097G>A), located in coding exon 20 of the RAD50 gene, results from a G to A substitution at nucleotide position 3097. The glutamic acid at codon 1033 is replaced by lysine, an amino acid with similar properties. This amino acid position is conserved. In addition, this alteration is predicted to be tolerated by in silico analysis. Since supporting evidence is limited at this time, the clinical significance of this alteration remains unclear.

Labcorp Genetics (formerly Invitae), Labcorp
Classification: Uncertain significance for Hereditary cancer-predisposing syndrome. Last evaluated: 2023-11-04. Review status: criteria provided, single submitter. Criteria: Invitae Variant Classification Sherloc (09022015). Collection method: clinical testing. Allele origin: germline.
Comment: This sequence change replaces glutamic acid, which is acidic and polar, with lysine, which is basic and polar, at codon 1033 of the RAD50 protein (p.Glu1033Lys). This variant is not present in population databases (gnomAD no frequency). This variant has not been reported in the literature in individuals affected with RAD50-related conditions. Advanced modeling of protein sequence and biophysical properties (such as structural, functional, and spatial information, amino acid conservation, physicochemical variation, residue mobility, and thermodynamic stability) performed at Invitae indicates that this missense variant is not expected to disrupt RAD50 protein function with a negative predictive value of 80%. In summary, the available evidence is currently insufficient to determine the role of this variant in disease. Therefore, it has been classified as a Variant of Uncertain Significance.